The following is an entry in ClinVar:

NM_000255.4(MMUT):c.1645dup (p.Leu549fs)

Gene: MMUT (methylmalonyl-CoA mutase; minus strand). Cytogenetic location: 6p12.3.
Variant type: Duplication.
Coding change: c.1645dup on transcript NM_000255.4 (MANE Select); coding-DNA position 1645, one base duplicated (C; older notation c.1645dupC).
Protein change: p.Leu549fs; shifts the reading frame from leucine 549.
Molecular consequence: frameshift variant.
Genome position (GRCh38, 1-based): chr6:49,444,670, G duplicated on the plus strand (C on the coding strand, the reverse complement: MMUT is on the minus strand); the first of 2 consecutive G bases (chr6:49,444,670-49,444,671); duplicating either gives the same sequence. VCF-style (leftmost placement, unchanged base first): chr6-49444669-A-AG. GRCh37 (hg19) VCF-style: chr6-49412382-A-AG.
Other names: short protein forms L549fs.
Identifiers: ClinVar variation 1417592 (VCV001417592.7), dbSNP rs1767365298, ClinGen allele CA2573140877.

ClinVar aggregate classification (germline): Pathogenic. Review status: criteria provided, multiple submitters, no conflicts (2 of 4 stars). 2 submissions from 2 submitters: Pathogenic (2). Last evaluated 2025-02-07.

Conditions:
Methylmalonic aciduria due to methylmalonyl-CoA mutase deficiency (MAMM). Also called: Methylmalonic aciduria, mut type. Identifiers: Orphanet 27, MedGen C1855114, MONDO:0009612, OMIM 251000.

Submissions (2):

Myriad Genetics, Inc.
Classification: Pathogenic for Methylmalonic aciduria due to methylmalonyl-CoA mutase deficiency. Last evaluated: 2025-02-07. Review status: criteria provided, single submitter. Criteria: Myriad Autosomal Dominant, Autosomal Recessive and X-Linked Classification Criteria (2023). Collection method: clinical testing. Allele origin: unknown.
Comment: NM_000255.3(MMUT):c.1645dupC(L549Pfs*27) is expected to be pathogenic in the context of methylmalonic acidemia, MMUT-related. This variant is predicted to lead to an abnormal or absent protein product due to the creation of a premature termination codon in MMUT, a gene where loss-of-function variants are known to be pathogenic. Please note: this variant was assessed in the context of healthy population screening.

Labcorp Genetics (formerly Invitae), Labcorp
Classification: Pathogenic. Last evaluated: 2021-04-11. Review status: criteria provided, single submitter. Criteria: Invitae Variant Classification Sherloc (09022015). Collection method: clinical testing. Allele origin: germline.
Comment: For these reasons, this variant has been classified as Pathogenic. This variant has not been reported in the literature in individuals with MUT-related conditions. This variant is not present in population databases (ExAC no frequency). This sequence change creates a premature translational stop signal (p.Leu549Profs*27) in the MUT gene. It is expected to result in an absent or disrupted protein product. Loss-of-function variants in MUT are known to be pathogenic (PMID: 15781192).

Literature cited by the submitters: PubMed 15781192 (cited by Labcorp Genetics (formerly Invitae), Labcorp).